The following is an entry in ClinVar:

NM_006767.4(LZTR1):c.1847A>C (p.Glu616Ala)

Gene: LZTR1 (leucine zipper like post translational regulator 1; plus strand). Cytogenetic location: 22q11.21.
Variant type: single nucleotide variant.
Coding change: c.1847A>C on transcript NM_006767.4 (MANE Select); coding-DNA position 1847, A replaced by C.
Protein change: p.Glu616Ala; replaces glutamic acid 616 with alanine.
Molecular consequence: missense variant.
Genome position (GRCh38, 1-based): chr22:20,994,931, A>C. VCF-style: chr22-20994931-A-C. GRCh37 (hg19) VCF-style: chr22-21349220-A-C.
Other names: short protein forms E616A.
Identifiers: ClinVar variation 3541649 (VCV003541649.1).
Genomic context (GRCh38, chr22:20,994,931, plus strand): 5'-AGCACTGCCTGAACTTCGTGGTAAAGGAGTCCCACTTCAACCAGGTGATCATGATGAAGG[A>C]GTTCGAGCGCCTCTCCTCTCCACTGATAGTGGAGATTGTGCGGCGGAAGCAGCAGCCGCC-3'
Protein context (NP_006758.2, residues 606-626): SHFNQVIMMK[Glu616Ala]FERLSSPLIV

ClinVar aggregate classification (germline): Uncertain significance (1 of 4 stars; one submission).

Conditions:
Hereditary cancer-predisposing syndrome. Also called: Hereditary Cancer Syndrome; Hereditary neoplastic syndrome; Tumor predisposition; Neoplastic Syndromes, Hereditary. Identifiers: Orphanet 140162, MedGen C0027672, MeSH D009386, MONDO:0015356.
Cardiovascular phenotype. Identifiers: MedGen CN230736.

gnomAD v4.1: 2 of 1,613,386 alleles (0.00012%); highest among the groups gnomAD compares: South Asian, 0.0022%; no homozygotes.

Submission:

Ambry Genetics
Classification: Uncertain significance for Cardiovascular phenotype; Hereditary cancer-predisposing syndrome. Last evaluated: 2024-10-14. Review status: criteria provided, single submitter. Criteria: Ambry Variant Classification Scheme 2023. Collection method: clinical testing. Allele origin: germline.
Comment: The p.E616A variant (also known as c.1847A>C), located in coding exon 16 of the LZTR1 gene, results from an A to C substitution at nucleotide position 1847. The glutamic acid at codon 616 is replaced by alanine, an amino acid with dissimilar properties. This amino acid position is conserved. In addition, the in silico prediction for this alteration is inconclusive. Based on the available evidence, the clinical significance of this variant remains unclear.